The following is an entry in ClinVar:

NM_000059.4(BRCA2):c.3220A>G (p.Ser1074Gly)

Gene: BRCA2 (BRCA2 DNA repair associated; plus strand). Cytogenetic location: 13q13.1.
Variant type: single nucleotide variant.
Coding change: c.3220A>G on transcript NM_000059.4 (MANE Select); coding-DNA position 3220, A replaced by G.
Protein change: p.Ser1074Gly; replaces serine 1074 with glycine.
Molecular consequence: missense variant.
Genome position (GRCh38, 1-based): chr13:32,337,575, A>G. VCF-style: chr13-32337575-A-G. GRCh37 (hg19) VCF-style: chr13-32911712-A-G.
Other names: short protein forms S1074G.
Identifiers: ClinVar variation 479345 (VCV000479345.9), dbSNP rs145605603, ClinGen allele CA387775900.

ClinVar aggregate classification (germline): Conflicting classifications of pathogenicity. Review status: criteria provided, conflicting classifications (1 of 4 stars). 3 submissions from 3 submitters: Uncertain significance (2); Likely benign (1). Last evaluated 2024-03-16.

Conditions:
Hereditary breast ovarian cancer syndrome. Also called: Hereditary breast and ovarian cancer syndrome (HBOC); Hereditary breast and ovarian cancer syndrome; Breast and ovarian cancer; BRCA1- and BRCA2-Associated Hereditary Breast and Ovarian Cancer; Hereditary breast and ovarian cancer; Hereditary breast and/or ovarian cancer syndrome. Identifiers: Orphanet 145, MedGen C0677776, MeSH D061325, MONDO:0003582. Disease mechanism: loss of function.
Hereditary cancer-predisposing syndrome. Also called: Neoplastic Syndromes, Hereditary; Hereditary Cancer Syndrome; Hereditary neoplastic syndrome; Tumor predisposition. Identifiers: Orphanet 140162, MedGen C0027672, MeSH D009386, MONDO:0015356.

gnomAD v4.1: 1 of 1,601,914 alleles (0.000062%); highest among the groups gnomAD compares: South Asian, 0.0011%; no homozygotes.

Submissions (3):

Labcorp Genetics (formerly Invitae), Labcorp
Classification: Uncertain significance for Hereditary breast ovarian cancer syndrome. Last evaluated: 2024-03-16. Review status: criteria provided, single submitter. Criteria: Invitae Variant Classification Sherloc (09022015). Collection method: clinical testing. Allele origin: germline.
Comment: This sequence change replaces serine, which is neutral and polar, with glycine, which is neutral and non-polar, at codon 1074 of the BRCA2 protein (p.Ser1074Gly). This variant is not present in population databases (gnomAD no frequency). This variant has not been reported in the literature in individuals affected with BRCA2-related conditions. ClinVar contains an entry for this variant (Variation ID: 479345). Advanced modeling of protein sequence and biophysical properties (such as structural, functional, and spatial information, amino acid conservation, physicochemical variation, residue mobility, and thermodynamic stability) performed at Invitae indicates that this missense variant is not expected to disrupt BRCA2 protein function with a negative predictive value of 95%. In summary, the available evidence is currently insufficient to determine the role of this variant in disease. Therefore, it has been classified as a Variant of Uncertain Significance.

University of Washington Department of Laboratory Medicine, University of Washington
Classification: Likely benign for Hereditary cancer-predisposing syndrome. Last evaluated: 2023-03-23. Review status: criteria provided, single submitter. Criteria: Dines et al. (Genet Med. 2020). Collection method: curation. Allele origin: germline.
Comment: Missense variant in a coldspot region where missense variants are very unlikely to be pathogenic (PMID:31911673).

BRCA2 exon 11 coldspot. Reclassification based on statistical prior probability.

Ambry Genetics
Classification: Uncertain significance for Hereditary cancer-predisposing syndrome. Last evaluated: 2016-08-16. Review status: criteria provided, single submitter. Criteria: Ambry Variant Classification Scheme 2023. Collection method: clinical testing. Allele origin: germline.
Comment: The p.S1074G variant (also known as c.3220A>G), located in coding exon 10 of the BRCA2 gene, results from an A to G substitution at nucleotide position 3220. The serine at codon 1074 is replaced by glycine, an amino acid with similar properties. This variant was not reported in population based cohorts in the following databases: Database of Single Nucleotide Polymorphisms (dbSNP), NHLBI Exome Sequencing Project (ESP), and 1000 Genomes Project. In the ESP, this variant was not observed in 6493 samples (12986 alleles) with coverage at this position. To date, this alteration has been detected with an allele frequency of approximately 0.0003% (greater than 300000 alleles tested) in our clinical cohort. This amino acid position is poorly conserved in available vertebrate species. In addition, this alteration is predicted to be tolerated by in silico analysis. Since supporting evidence is limited at this time, the clinical significance of this alteration remains unclear.